The following is an entry in ClinVar:

NM_002661.5(PLCG2):c.3511T>C (p.Tyr1171His)

Gene: PLCG2 (phospholipase C gamma 2; plus strand). Cytogenetic location: 16q23.3.
Variant type: single nucleotide variant.
Coding change: c.3511T>C on transcript NM_002661.5 (MANE Select); coding-DNA position 3511, T replaced by C.
Protein change: p.Tyr1171His; replaces tyrosine 1171 with histidine.
Molecular consequence: missense variant.
Genome position (GRCh38, 1-based): chr16:81,946,204, T>C. VCF-style: chr16-81946204-T-C. GRCh37 (hg19) VCF-style: chr16-81979809-T-C.
Other names: short protein forms Y1171H.
Identifiers: ClinVar variation 1351376 (VCV001351376.6), dbSNP rs1567545409, ClinGen allele CA396909695.

ClinVar aggregate classification (germline): Uncertain significance (1 of 4 stars; one submission).

Conditions:
Familial cold autoinflammatory syndrome 3 (FCAS3). Also called: FAMILIAL ATYPICAL COLD URTICARIA; ANTIBODY DEFICIENCY AND IMMUNE DYSREGULATION, PLCG2-ASSOCIATED. Identifiers: Orphanet 300359, MedGen C3280914, MONDO:0013766, OMIM 614468.

Allele frequency attached by ClinVar (database versions not stated): gnomAD 0.00001; gnomAD exomes 0.00001 and below 0.00001.
gnomAD v4.1: 4 of 1,613,796 alleles (0.00025%); highest among the groups gnomAD compares: Non-Finnish European, 0.00034%; no homozygotes.

Submission:

Labcorp Genetics (formerly Invitae), Labcorp
Classification: Uncertain significance for Familial cold autoinflammatory syndrome 3. Last evaluated: 2025-06-11. Review status: criteria provided, single submitter. Criteria: Invitae Variant Classification Sherloc (09022015). Collection method: clinical testing. Allele origin: germline.
Comment: This sequence change replaces tyrosine, which is neutral and polar, with histidine, which is basic and polar, at codon 1171 of the PLCG2 protein (p.Tyr1171His). This variant is not present in population databases (gnomAD no frequency). This variant has not been reported in the literature in individuals affected with PLCG2-related conditions. ClinVar contains an entry for this variant (Variation ID: 1351376). An algorithm developed to predict the effect of missense changes on protein structure and function outputs the following: PolyPhen-2: "Benign". The histidine amino acid residue is found in multiple mammalian species, which suggests that this missense change does not adversely affect protein function. In summary, the available evidence is currently insufficient to determine the role of this variant in disease. Therefore, it has been classified as a Variant of Uncertain Significance.